The following is an entry in ClinVar:

NM_001164508.2(NEB):c.20966A>G (p.Tyr6989Cys)

Gene: NEB (nebulin; minus strand). Cytogenetic location: 2q23.3.
Variant type: single nucleotide variant.
Coding change: c.20966A>G on transcript NM_001164508.2 (MANE Select); coding-DNA position 20966, A replaced by G.
Protein change: p.Tyr6989Cys; replaces tyrosine 6989 with cysteine.
Molecular consequence: missense variant.
Genome position (GRCh38, 1-based): chr2:151,538,171, T>C on the plus strand (A>G on the coding strand, the complement: NEB is on the minus strand). VCF-style: chr2-151538171-T-C. GRCh37 (hg19) VCF-style: chr2-152394685-T-C.
Other names: c.20966A>G, p.Tyr6989Cys (NM_001164507.2, NM_001271208.2); c.15863A>G, p.Tyr5288Cys (NM_004543.5); short protein forms Y5288C, Y6989C.
Identifiers: ClinVar variation 2157849 (VCV002157849.5), dbSNP rs537451022, ClinGen allele CA348776361.

ClinVar aggregate classification (germline): Uncertain significance. Review status: criteria provided, multiple submitters, no conflicts (2 of 4 stars). 3 submissions from 3 submitters: Uncertain significance (3). Last evaluated 2022-09-20.

Conditions:
Limb-girdle muscular dystrophy (LGMD). Also called: Muscular Dystrophies, Limb-Girdle. Identifiers: Orphanet 263, MedGen C0686353, MeSH D049288, MONDO:0016971, HP:0006785.
Nemaline myopathy 2 (NEM2). Also called: Nemaline myopathy 2, autosomal recessive. Identifiers: MedGen C1850569, MONDO:0009725, OMIM 256030.

Submissions (3):

Revvity Omics, Revvity
Classification: Uncertain significance. Last evaluated: 2022-09-20. Review status: criteria provided, single submitter. Criteria: ACMG Guidelines, 2015. Collection method: clinical testing. Allele origin: germline.

Labcorp Genetics (formerly Invitae), Labcorp
Classification: Uncertain significance for Nemaline myopathy 2. Last evaluated: 2022-07-14. Review status: criteria provided, single submitter. Criteria: Invitae Variant Classification Sherloc (09022015). Collection method: clinical testing. Allele origin: germline.
Comment: This sequence change replaces tyrosine, which is neutral and polar, with cysteine, which is neutral and slightly polar, at codon 6989 of the NEB protein (p.Tyr6989Cys). This variant is not present in population databases (gnomAD no frequency). This variant has not been reported in the literature in individuals affected with NEB-related conditions. Algorithms developed to predict the effect of missense changes on protein structure and function are either unavailable or do not agree on the potential impact of this missense change (SIFT: "Deleterious"; PolyPhen-2: "Not Available"; Align-GVGD: "Class C0"). In summary, the available evidence is currently insufficient to determine the role of this variant in disease. Therefore, it has been classified as a Variant of Uncertain Significance.

Cambridge Genomics Laboratory, East Genomic Laboratory Hub, NHS Genomic Medicine Service
Classification: Uncertain significance for Limb-girdle muscular dystrophy. Last evaluated: 2019-09-03. Review status: criteria provided, single submitter. Criteria: ACGS Best Practice Guidelines for Variant Classification in Rare Disease 2020. Collection method: clinical testing. Allele origin: germline. Affected: yes. Observed: 1 variant allele.